The following is an entry in ClinVar:

ClinVar aggregate classification (germline): Uncertain significance (1 of 4 stars; one submission).

Submission:

Labcorp Genetics (formerly Invitae), Labcorp
Classification: Uncertain significance. Last evaluated: 2024-03-07. Review status: criteria provided, single submitter. Criteria: Invitae Variant Classification Sherloc (09022015). Collection method: clinical testing. Allele origin: germline.
Comment: This sequence change replaces serine, which is neutral and polar, with leucine, which is neutral and non-polar, at codon 380 of the RUNX2 protein (p.Ser380Leu). This variant is present in population databases (no rsID available, gnomAD 0.006%). This variant has not been reported in the literature in individuals affected with RUNX2-related conditions. Advanced modeling of protein sequence and biophysical properties (such as structural, functional, and spatial information, amino acid conservation, physicochemical variation, residue mobility, and thermodynamic stability) performed at Invitae indicates that this missense variant is not expected to disrupt RUNX2 protein function with a negative predictive value of 80%. In summary, the available evidence is currently insufficient to determine the role of this variant in disease. Therefore, it has been classified as a Variant of Uncertain Significance.

NM_001024630.4(RUNX2):c.1139C>T (p.Ser380Leu)

Gene: RUNX2 (RUNX family transcription factor 2; plus strand). Cytogenetic location: 6p21.1.
Variant type: single nucleotide variant.
Coding change: c.1139C>T on transcript NM_001024630.4 (MANE Select); coding-DNA position 1139, C replaced by T.
Protein change: p.Ser380Leu; replaces serine 380 with leucine.
Molecular consequence: missense variant.
Genome position (GRCh38, 1-based): chr6:45,546,878, C>T. VCF-style: chr6-45546878-C-T. GRCh37 (hg19) VCF-style: chr6-45514615-C-T.
Other names: c.1073C>T, p.Ser358Leu (NM_001015051.4); c.1031C>T, p.Ser344Leu (NM_001278478.2); c.1097C>T, p.Ser366Leu (NM_001369405.1); short protein forms S344L, S358L, S380L, S366L.
Identifiers: ClinVar variation 3645039 (VCV003645039.2).